The following is an entry in ClinVar:

ClinVar aggregate classification (germline): Uncertain significance (1 of 4 stars; one submission).

Submission:

GeneDx
Classification: Uncertain significance. Last evaluated: 2025-03-13. Review status: criteria provided, single submitter. Criteria: GeneDx Variant Classification Process June 2021. Collection method: clinical testing. Allele origin: germline. Affected: yes.
Comment: Not observed at significant frequency in large population cohorts (gnomAD); In silico analysis supports that this missense variant has a deleterious effect on protein structure/function; Has not been previously published as pathogenic or benign to our knowledge

NM_001369268.1(ACAN):c.1331G>T (p.Gly444Val)

Gene: ACAN (aggrecan; plus strand). Cytogenetic location: 15q26.1.
Variant type: single nucleotide variant.
Coding change: c.1331G>T on transcript NM_001369268.1 (MANE Select); coding-DNA position 1331, G replaced by T.
Protein change: p.Gly444Val; replaces glycine 444 with valine.
Molecular consequence: missense variant.
Genome position (GRCh38, 1-based): chr15:88,845,784, G>T. VCF-style: chr15-88845784-G-T. GRCh37 (hg19) VCF-style: chr15-89389015-G-T.
Other names: c.1331G>T, p.Gly444Val (NM_001135.4, NM_001411096.1, NM_001411097.1 and 1 more transcripts); short protein forms G444V.
Identifiers: ClinVar variation 4083114 (VCV004083114.1).
Genomic context (GRCh38, chr15:88,845,784, plus strand): 5'-TAGGGGCCACTGCCTTCGCTGAGGTTGAGAATGAGACTGGAGAGGCCACCAGGCCCTGGG[G>T]CTTTCCCACACCTGGCCTGGGCCCTGCCACGGCATTCACCAGTGAGGACCTCGTCGTGCA-3'
Protein context (NP_001356197.1, residues 434-454): NETGEATRPW[Gly444Val]FPTPGLGPAT